The following is an entry in ClinVar:

NM_004380.3(CREBBP):c.6693C>T (p.Phe2231=)

Gene: CREBBP (CREB binding lysine acetyltransferase; minus strand). Cytogenetic location: 16p13.3.
Variant type: single nucleotide variant.
Coding change: c.6693C>T on transcript NM_004380.3 (MANE Select); coding-DNA position 6693, C replaced by T.
Protein change: p.Phe2231=; no amino-acid change (phenylalanine 2231 retained).
Molecular consequence: synonymous variant.
Genome position (GRCh38, 1-based): chr16:3,728,354, G>A on the plus strand (C>T on the coding strand, the complement: CREBBP is on the minus strand). VCF-style: chr16-3728354-G-A. GRCh37 (hg19) VCF-style: chr16-3778355-G-A.
Other names: c.6579C>T, p.Phe2193= (NM_001079846.1); c.6693C>T (NM_004380.2).
Identifiers: ClinVar variation 2725537 (VCV002725537.5), dbSNP rs760793692, ClinGen allele CA7869024.

ClinVar aggregate classification (germline): Benign. Review status: criteria provided, single submitter (1 of 4 stars). 2 submissions from 2 submitters: Benign (1). 1 of the submissions does not count toward it. Last evaluated 2024-12-28.

Conditions:
CREBBP-related disorder. Also called: CREBBP-related disorders; CREBBP-related condition.
Rubinstein-Taybi syndrome (RSTS). Identifiers: Orphanet 783, MedGen C0035934, MONDO:0019188.

Allele frequency attached by ClinVar (database versions not stated): gnomAD exomes below 0.00001; ExAC 0.00003; gnomAD 0.00004; TOPMed 0.00005.
gnomAD v4.1: 13 of 1,610,404 alleles (0.00081%); highest among the groups gnomAD compares: African/African-American, 0.015%; no homozygotes.

Submissions (2):

Labcorp Genetics (formerly Invitae), Labcorp
Classification: Benign for Rubinstein-Taybi syndrome. Last evaluated: 2024-12-28. Review status: criteria provided, single submitter. Criteria: Invitae Variant Classification Sherloc (09022015). Collection method: clinical testing. Allele origin: germline.

PreventionGenetics, part of Exact Sciences
Classification: Likely benign for CREBBP-related condition. Last evaluated: 2022-11-03. Review status: no assertion criteria provided. Collection method: clinical testing. Allele origin: germline. Not counted in ClinVar's aggregate classification.
Comment: This variant is classified as likely benign based on ACMG/AMP sequence variant interpretation guidelines (Richards et al. 2015 PMID: 25741868, with internal and published modifications).